The following is an entry in ClinVar:

NM_000138.5(FBN1):c.4863A>G (p.Lys1621=)

Gene: FBN1 (fibrillin 1; minus strand). Cytogenetic location: 15q21.1.
Variant type: single nucleotide variant.
Coding change: c.4863A>G on transcript NM_000138.5 (MANE Select); coding-DNA position 4863, A replaced by G.
Protein change: p.Lys1621=; no amino-acid change (lysine 1621 retained).
Molecular consequence: synonymous variant.
Genome position (GRCh38, 1-based): chr15:48,465,647, T>C on the plus strand (A>G on the coding strand, the complement: FBN1 is on the minus strand). VCF-style: chr15-48465647-T-C. GRCh37 (hg19) VCF-style: chr15-48757844-T-C.
Identifiers: ClinVar variation 926947 (VCV000926947.10), dbSNP rs2043314687, ClinGen allele CA490026464.

ClinVar aggregate classification (germline): Likely benign. Review status: criteria provided, multiple submitters, no conflicts (2 of 4 stars). 5 submissions from 5 submitters: Likely benign (5). Last evaluated 2025-08-12.

Conditions:
Marfan syndrome (MFS). Also called: Marfan syndrome, classic; Marfan syndrome type 1; Marfan's syndrome; FBN1-Related Marfan Syndrome; MARFAN SYNDROME, TYPE I. Identifiers: Orphanet 284963, Orphanet 558, MedGen C0024796, MONDO:0007947, OMIM 154700.
Familial thoracic aortic aneurysm and aortic dissection (TAAD). Also called: Thoracic aortic aneurysms and dissections. Identifiers: Orphanet 91387, MedGen C4707243, MONDO:0019625.

Allele frequency attached by ClinVar (database versions not stated): gnomAD exomes 0.00001.
gnomAD v4.1: 4 of 1,614,006 alleles (0.00025%); highest among the groups gnomAD compares: East Asian, 0.0067%; no homozygotes.

Submissions (5):

Labcorp Genetics (formerly Invitae), Labcorp
Classification: Likely benign for Marfan syndrome; Familial thoracic aortic aneurysm and aortic dissection. Last evaluated: 2025-08-12. Review status: criteria provided, single submitter. Criteria: Invitae Variant Classification Sherloc (09022015). Collection method: clinical testing. Allele origin: germline.

Ambry Genetics
Classification: Likely benign for Familial thoracic aortic aneurysm and aortic dissection. Last evaluated: 2025-03-25. Review status: criteria provided, single submitter. Criteria: Ambry Variant Classification Scheme 2023. Collection method: clinical testing. Allele origin: germline.

All of Us Research Program, National Institutes of Health
Classification: Likely benign for Marfan syndrome. Last evaluated: 2023-08-15. Review status: criteria provided, single submitter. Criteria: ACMG Guidelines, 2015. Collection method: clinical testing. Allele origin: germline. Inheritance: Autosomal dominant inheritance. Observed: 1 variant allele, 1 heterozygote.
Comment: This study involves interpretation of variants in research participants for the purpose of population health screening. Participant phenotype was not available at the time of variant classification. Additional details can be found in publication PMID: 35346344, PMCID: PMC8962531

ARUP Laboratories, Molecular Genetics and Genomics, ARUP Laboratories
Classification: Likely benign. Last evaluated: 2022-03-24. Review status: criteria provided, single submitter. Criteria: ARUP Molecular Germline Variant Investigation Process 2021. Collection method: clinical testing. Allele origin: germline.

Color Diagnostics, LLC DBA Color Health
Classification: Likely benign for Familial thoracic aortic aneurysm and aortic dissection. Last evaluated: 2019-12-23. Review status: criteria provided, single submitter. Criteria: ACMG Guidelines, 2015. Collection method: clinical testing. Allele origin: germline.